The following is an entry in ClinVar:

ClinVar aggregate classification (germline): Uncertain significance. Review status: criteria provided, multiple submitters, no conflicts (2 of 4 stars). 3 submissions from 3 submitters: Uncertain significance (3). Last evaluated 2024-11-17.

Conditions:
Inborn genetic diseases. Identifiers: MedGen C0950123, MeSH D030342.

Allele frequency attached by ClinVar (database versions not stated): TOPMed below 0.00001; gnomAD exomes 0.00001; ExAC 0.00002.
gnomAD v4.1: 8 of 1,611,782 alleles (0.0005%); highest among the groups gnomAD compares: Middle Eastern, 0.016%; no homozygotes.

Submissions (3):

Ambry Genetics
Classification: Uncertain significance for Inborn genetic diseases. Last evaluated: 2024-11-17. Review status: criteria provided, single submitter. Criteria: Ambry Variant Classification Scheme 2023. Collection method: clinical testing. Allele origin: germline.
Comment: The p.M319T variant (also known as c.956T>C), located in coding exon 5 of the ETV6 gene, results from a T to C substitution at nucleotide position 956. The methionine at codon 319 is replaced by threonine, an amino acid with similar properties. This amino acid position is conserved. In addition, this alteration is predicted to be tolerated by in silico analysis. Based on the available evidence, the clinical significance of this variant remains unclear.

GeneDx
Classification: Uncertain significance. Last evaluated: 2023-10-17. Review status: criteria provided, single submitter. Criteria: GeneDx Variant Classification Process June 2021. Collection method: clinical testing. Allele origin: germline. Affected: yes.
Comment: Not observed at significant frequency in large population cohorts (gnomAD); In silico analysis supports that this missense variant does not alter protein structure/function; Has not been previously published as pathogenic or benign to our knowledge; This variant is associated with the following publications: (PMID: 28555414, 28637624)

Labcorp Genetics (formerly Invitae), Labcorp
Classification: Uncertain significance. Last evaluated: 2023-07-19. Review status: criteria provided, single submitter. Criteria: Invitae Variant Classification Sherloc (09022015). Collection method: clinical testing. Allele origin: germline.
Comment: This sequence change replaces methionine, which is neutral and non-polar, with threonine, which is neutral and polar, at codon 319 of the ETV6 protein (p.Met319Thr). This variant is present in population databases (rs768272889, gnomAD 0.002%). This variant has not been reported in the literature in individuals affected with ETV6-related conditions. Advanced modeling of protein sequence and biophysical properties (such as structural, functional, and spatial information, amino acid conservation, physicochemical variation, residue mobility, and thermodynamic stability) performed at Invitae indicates that this missense variant is not expected to disrupt ETV6 protein function. In summary, the available evidence is currently insufficient to determine the role of this variant in disease. Therefore, it has been classified as a Variant of Uncertain Significance.

NM_001987.5(ETV6):c.956T>C (p.Met319Thr)

Gene: ETV6 (ETS variant transcription factor 6; plus strand). Cytogenetic location: 12p13.2.
Variant type: single nucleotide variant.
Coding change: c.956T>C on transcript NM_001987.5 (MANE Select); coding-DNA position 956, T replaced by C.
Protein change: p.Met319Thr; replaces methionine 319 with threonine.
Molecular consequence: missense variant.
Genome position (GRCh38, 1-based): chr12:11,869,916, T>C. VCF-style: chr12-11869916-T-C. GRCh37 (hg19) VCF-style: chr12-12022850-T-C.
Other names: c.953T>C, p.Met318Thr (NM_001413913.1); c.929T>C, p.Met310Thr (NM_001413914.1); c.692T>C, p.Met231Thr (NM_001413915.1); c.956T>C, p.Met319Thr (NM_001413916.1, NM_001413917.1); short protein forms M319T, M310T, M231T, M318T.
Identifiers: ClinVar variation 2888865 (VCV002888865.5), dbSNP rs768272889, ClinGen allele CA6454364.